The following is an entry in ClinVar:

NM_000551.4(VHL):c.297A>G (p.Pro99=)

Gene: VHL (von Hippel-Lindau tumor suppressor; plus strand). Cytogenetic location: 3p25.3.
Variant type: single nucleotide variant.
Coding change: c.297A>G on transcript NM_000551.4 (MANE Select); coding-DNA position 297, A replaced by G.
Protein change: p.Pro99=; no amino-acid change (proline 99 retained).
Molecular consequence: synonymous variant. On other transcripts: non-coding transcript variant (1).
Genome position (GRCh38, 1-based): chr3:10,142,144, A>G. VCF-style: chr3-10142144-A-G. GRCh37 (hg19) VCF-style: chr3-10183828-A-G.
Other names: c.297A>G, p.Pro99= (NM_001354723.2, NM_198156.3).
Identifiers: ClinVar variation 3468016 (VCV003468016.2).

ClinVar aggregate classification (germline): Benign/Likely benign. Review status: criteria provided, multiple submitters, no conflicts (2 of 4 stars). 2 submissions from 2 submitters: Benign (1); Likely benign (1). Last evaluated 2025-06-10.

Conditions:
Von Hippel-Lindau syndrome (VHLS). Also called: VHL syndrome; von Hippel–Lindau syndrome; Von Hippel-Lindau. Identifiers: Orphanet 892, MedGen C0019562, MONDO:0008667, OMIM 193300. Disease mechanism: loss of function.
Hereditary cancer-predisposing syndrome. Also called: Hereditary Cancer Syndrome; Hereditary neoplastic syndrome; Neoplastic Syndromes, Hereditary; Tumor predisposition. Identifiers: Orphanet 140162, MedGen C0027672, MeSH D009386, MONDO:0015356.

gnomAD v4.1: 3 of 1,599,516 alleles (0.00019%); highest among the groups gnomAD compares: Non-Finnish European, 0.00017%; no homozygotes.

Submissions (2):

Myriad Genetics, Inc.
Classification: Benign for Von Hippel-Lindau syndrome. Last evaluated: 2025-06-10. Review status: criteria provided, single submitter. Criteria: Myriad Autosomal Dominant, Autosomal Recessive and X-Linked Classification Criteria (2023). Collection method: clinical testing. Allele origin: unknown.
Comment: This variant is considered benign. This variant is a silent/synonymous amino acid change and it is not expected to impact splicing.

Ambry Genetics
Classification: Likely benign for Hereditary cancer-predisposing syndrome. Last evaluated: 2024-07-13. Review status: criteria provided, single submitter. Criteria: Ambry Variant Classification Scheme 2023. Collection method: clinical testing. Allele origin: germline.